The following is an entry in ClinVar:

NM_004972.4(JAK2):c.480T>C (p.Asp160=)

Genes: INSL6 (insulin like 6; minus strand), JAK2 (Janus kinase 2; plus strand). Cytogenetic location: 9p24.1.
Variant type: single nucleotide variant.
Coding change: c.480T>C on transcript NM_004972.4 (MANE Select); coding-DNA position 480, T replaced by C.
Protein change: p.Asp160=; no amino-acid change (aspartic acid 160 retained).
Molecular consequence: synonymous variant. On other transcripts: 5 prime UTR variant (2), non-coding transcript variant (2).
Genome position (GRCh38, 1-based): chr9:5,050,697, T>C. VCF-style: chr9-5050697-T-C. GRCh37 (hg19) VCF-style: chr9-5050697-T-C.
Other names: c.-641T>C (NM_001322199.2, NM_001322198.2); c.33T>C, p.Asp11= (NM_001322204.2); c.480T>C, p.Asp160= (NM_001322194.2, NM_001322195.2, NM_001322196.2).
Identifiers: ClinVar variation 3678388 (VCV003678388.3).
Genomic context (GRCh38, chr9:5,050,697, plus strand): 5'-TGATAATGAAACTTACGATGAGATATTTCCTTCAAATTTTTGGTTTTAGTGGCGGCATGA[T>C]TTTGTGCACGGATGGATAAAAGTACCTGTGACTCATGAAACACAGGAAGAATGTCTTGGG-3'
Protein context (NP_004963.1, residues 150-170): MSYLFAQWRH[Asp160=]FVHGWIKVPV

ClinVar aggregate classification (germline): Likely benign. Review status: criteria provided, multiple submitters, no conflicts (2 of 4 stars). 2 submissions from 2 submitters: Likely benign (2). Last evaluated 2026-07-01.

gnomAD v4.1: 3 of 1,612,192 alleles (0.00019%); highest among the groups gnomAD compares: South Asian, 0.0033%; no homozygotes.

Submissions (2):

CeGaT Center for Human Genetics Tuebingen
Classification: Likely benign. Last evaluated: 2026-07-01. Review status: criteria provided, single submitter. Criteria: CeGaT Center For Human Genetics Tuebingen Variant Classification Criteria Version 2. Collection method: clinical testing. Allele origin: germline. Affected: yes. Observed: 1 variant allele.
Comment: JAK2: BP4, BP7

Labcorp Genetics (formerly Invitae), Labcorp
Classification: Likely benign. Last evaluated: 2024-02-17. Review status: criteria provided, single submitter. Criteria: Invitae Variant Classification Sherloc (09022015). Collection method: clinical testing. Allele origin: germline.